The following is an entry in ClinVar:

ClinVar aggregate classification (germline): Pathogenic (1 of 4 stars; one submission).

Conditions:
Neurometabolic disorder due to serine deficiency. Identifiers: Orphanet 35705, MedGen C5680148, MONDO:0018162.

Submission:

Myriad Genetics, Inc.
Classification: Pathogenic for Neurometabolic disorder due to serine deficiency. Last evaluated: 2024-05-14. Review status: criteria provided, single submitter. Criteria: Myriad Autosomal Dominant, Autosomal Recessive and X-Linked Classification Criteria (2023). Collection method: clinical testing. Allele origin: unknown.
Comment: NM_006623.3(PHGDH):c.1128_1129ins5(G377Ifs*5) is expected to be pathogenic in the context of serine deficiency disorder, PHGDH-related. This variant is predicted to lead to an abnormal or absent protein product due to the creation of a premature termination codon in PHGDH, a gene where loss-of-function variants are known to be pathogenic. Please note: this variant was assessed in the context of healthy population screening.

NM_006623.4(PHGDH):c.1128_1129insATCGT (p.Gly377fs)

Gene: PHGDH (phosphoglycerate dehydrogenase; plus strand). Cytogenetic location: 1p12.
Variant type: Insertion.
Coding change: c.1128_1129insATCGT on transcript NM_006623.4 (MANE Select); coding-DNA positions 1128 to 1129, ATCGT inserted.
Protein change: p.Gly377fs; shifts the reading frame from glycine 377.
Molecular consequence: frameshift variant.
Genome position: GRCh38 VCF-style: chr1-119741816-C-CATCGT. GRCh37 (hg19) VCF-style: chr1-120284439-C-CATCGT.
Other names: short protein forms G377fs.
Identifiers: ClinVar variation 5010675 (VCV005010675.1).